The following is an entry in ClinVar:

NM_007126.5(VCP):c.1358G>A (p.Arg453Gln)

Gene: VCP (valosin containing protein; minus strand). Cytogenetic location: 9p13.3.
Variant type: single nucleotide variant.
Coding change: c.1358G>A on transcript NM_007126.5 (MANE Select); coding-DNA position 1358, G replaced by A.
Protein change: p.Arg453Gln; replaces arginine 453 with glutamine.
Molecular consequence: missense variant.
Genome position (GRCh38, 1-based): chr9:35,061,016, C>T on the plus strand (G>A on the coding strand, the complement: VCP is on the minus strand). VCF-style: chr9-35061016-C-T. GRCh37 (hg19) VCF-style: chr9-35061013-C-T.
Other names: c.1223G>A, p.Arg408Gln (NM_001354927.2, NM_001354928.2); short protein forms R408Q, R453Q.
Identifiers: ClinVar variation 3760690 (VCV003760690.3).

ClinVar aggregate classification (germline): Uncertain significance. Review status: criteria provided, multiple submitters, no conflicts (2 of 4 stars). 2 submissions from 2 submitters: Uncertain significance (2). Last evaluated 2024-11-05.

Conditions:
Frontotemporal dementia and/or amyotrophic lateral sclerosis 6 (FTDALS6). Also called: VCP-Related Amyotrophic Lateral Sclerosis/Frontotemporal Dementia; VCP-Related Amyotrophic Lateral Sclerosis. Identifiers: Orphanet 275872, Orphanet 803, MedGen C5436279, MONDO:0013501, OMIM 613954.
Inclusion body myopathy with Paget disease of bone and frontotemporal dementia. Also called: Inclusion body myopathy with early-onset Paget disease and frontotemporal dementia. Identifiers: Orphanet 52430, MedGen C1833662, MONDO:0000507.

Submissions (2):

Labcorp Genetics (formerly Invitae), Labcorp
Classification: Uncertain significance for Inclusion body myopathy with Paget disease of bone and frontotemporal dementia; Frontotemporal dementia and/or amyotrophic lateral sclerosis 6. Last evaluated: 2024-11-05. Review status: criteria provided, single submitter. Criteria: Invitae Variant Classification Sherloc (09022015). Collection method: clinical testing. Allele origin: germline.
Comment: This sequence change replaces arginine, which is basic and polar, with glutamine, which is neutral and polar, at codon 453 of the VCP protein (p.Arg453Gln). This variant is not present in population databases (gnomAD no frequency). This variant has not been reported in the literature in individuals affected with VCP-related conditions. An algorithm developed to predict the effect of missense changes on protein structure and function (PolyPhen-2) suggests that this variant is likely to be tolerated. In summary, the available evidence is currently insufficient to determine the role of this variant in disease. Therefore, it has been classified as a Variant of Uncertain Significance.

Blueprint Genetics
Classification: Uncertain significance. Last evaluated: 2024-10-02. Review status: criteria provided, single submitter. Criteria: ACMG Guidelines, 2015. Collection method: clinical testing. Allele origin: germline.